The following is an entry in ClinVar:

ClinVar aggregate classification (germline): Uncertain significance (1 of 4 stars; one submission).

Allele frequency attached by ClinVar (database versions not stated): gnomAD 0.00001; gnomAD exomes 0.00005.
gnomAD v4.1: 72 of 1,613,880 alleles (0.0045%); highest among the groups gnomAD compares: East Asian, 0.071%; no homozygotes.

Submission:

Ambry Genetics
Classification: Uncertain significance. Last evaluated: 2024-09-13. Review status: criteria provided, single submitter. Criteria: Ambry Variant Classification Scheme 2023. Collection method: clinical testing. Allele origin: germline.
Comment: The p.C698Y variant (also known as c.2093G>A), located in coding exon 18 of the BUB1 gene, results from a G to A substitution at nucleotide position 2093. The cysteine at codon 698 is replaced by tyrosine, an amino acid with highly dissimilar properties. This amino acid position is conserved. In addition, this alteration is predicted to be tolerated by in silico analysis. Since supporting evidence is limited at this time, the clinical significance of this alteration remains unclear.

NM_004336.5(BUB1):c.2093G>A (p.Cys698Tyr)

Gene: BUB1 (BUB1 mitotic checkpoint serine/threonine kinase; minus strand). Cytogenetic location: 2q13.
Variant type: single nucleotide variant.
Coding change: c.2093G>A on transcript NM_004336.5 (MANE Select); coding-DNA position 2093, G replaced by A.
Protein change: p.Cys698Tyr; replaces cysteine 698 with tyrosine.
Molecular consequence: missense variant.
Genome position (GRCh38, 1-based): chr2:110,650,656, C>T on the plus strand (G>A on the coding strand, the complement: BUB1 is on the minus strand). VCF-style: chr2-110650656-C-T. GRCh37 (hg19) VCF-style: chr2-111408233-C-T.
Other names: c.2033G>A, p.Cys678Tyr (NM_001278616.2); c.2093G>A, p.Cys698Tyr (NM_001278617.2); short protein forms C698Y, C678Y.
Identifiers: ClinVar variation 1785759 (VCV001785759.3), dbSNP rs764154158, ClinGen allele CA53526865.